The following is an entry in ClinVar:

NM_207034.3(EDN3):c.49G>A (p.Ala17Thr)

Gene: EDN3 (endothelin 3; plus strand). Cytogenetic location: 20q13.32.
Variant type: single nucleotide variant.
Coding change: c.49G>A on transcript NM_207034.3 (MANE Select); coding-DNA position 49, G replaced by A.
Protein change: p.Ala17Thr; replaces alanine 17 with threonine.
Molecular consequence: missense variant.
Genome position (GRCh38, 1-based): chr20:59,300,861, G>A. VCF-style: chr20-59300861-G-A. GRCh37 (hg19) VCF-style: chr20-57875916-G-A.
Other names: c.49G>A, p.Ala17Thr (NM_001302455.2, NM_001302456.2, NM_207032.3 and 1 more transcripts); short protein forms A17T.
Identifiers: ClinVar variation 16646 (VCV000016646.43), dbSNP rs11570255, ClinGen allele CA126748.
Genomic context (GRCh38, chr20:59,300,861, plus strand): 5'-TGATCTAGGTTCATGGAGCCGGGGCTGTGGCTCCTTTTCGGGCTCACAGTGACCTCCGCC[G>A]CAGGTAAGCGCACGGGGCGGCGCGCCTCTCCTGGCGCGAGCGCACACAAAAGGACCCAGG-3'
Protein context (NP_996917.1, residues 7-27): LLFGLTVTSA[Ala17Thr]GFVPCSQSGD

ClinVar aggregate classification (germline): Conflicting classifications of pathogenicity. Review status: criteria provided, conflicting classifications (1 of 4 stars). 9 submissions from 9 submitters: Uncertain significance (1); Benign (6); Likely benign (1). 1 of the submissions does not count toward it. Last evaluated 2026-07-01.

Conditions:
Hirschsprung disease, susceptibility to, 4. Identifiers: Orphanet 388, MedGen C3150975, MONDO:0013384, OMIM 613712.

Allele frequency attached by ClinVar (database versions not stated): 1000 Genomes Project 0.00399; TOPMed 0.00248; 1000 Genomes Project 30x 0.00500.
gnomAD v4.1: 1,677 of 1,610,930 alleles (0.1%); highest among the groups gnomAD compares: East Asian, 2.1%; 14 homozygotes.

Submissions (9):

CeGaT Center for Human Genetics Tuebingen
Classification: Benign. Last evaluated: 2026-07-01. Review status: criteria provided, single submitter. Criteria: CeGaT Center For Human Genetics Tuebingen Variant Classification Criteria Version 2. Collection method: clinical testing. Allele origin: germline. Affected: yes. Observed: 3 variant alleles.
Comment: EDN3: BS1, BS2

Labcorp Genetics (formerly Invitae), Labcorp
Classification: Benign. Last evaluated: 2026-01-12. Review status: criteria provided, single submitter. Criteria: Invitae Variant Classification Sherloc (09022015). Collection method: clinical testing. Allele origin: germline.

Athena Diagnostics
Classification: Benign. Last evaluated: 2018-11-09. Review status: criteria provided, single submitter. Criteria: Athena Diagnostics Criteria. Collection method: clinical testing. Allele origin: germline.

GeneDx
Classification: Benign. Last evaluated: 2018-09-28. Review status: criteria provided, single submitter. Criteria: GeneDx Variant Classification Process June 2021. Collection method: clinical testing. Allele origin: germline. Affected: yes.
Comment: This variant is associated with the following publications: (PMID: 27535533, 9359047, 9587491, 20127975, 14633923, 30936914)

Illumina Laboratory Services, Illumina
Classification: Benign for Hirschsprung disease, susceptibility to, 4. Last evaluated: 2018-03-06. Review status: criteria provided, single submitter. Criteria: ICSL Variant Classification Criteria 13 December 2019. Collection method: clinical testing. Allele origin: germline.
Comment: This variant was observed in the ICSL laboratory as part of a predisposition screen in an ostensibly healthy population. It had not been previously curated by ICSL or reported in the Human Gene Mutation Database (HGMD: prior to June 1st, 2018), and was therefore a candidate for classification through an automated scoring system. Utilizing variant allele frequency, disease prevalence and penetrance estimates, and inheritance mode, an automated score was calculated to assess if this variant is too frequent to cause the disease. Based on the score and internal cut-off values, a variant classified as benign is not then subjected to further curation. The score for this variant resulted in a classification of benign for this disease.

Laboratory for Molecular Medicine, Mass General Brigham Personalized Medicine
Classification: Benign. Last evaluated: 2016-10-06. Review status: criteria provided, single submitter. Criteria: LMM Criteria. Collection method: clinical testing. Allele origin: germline. Observed: 4 variant alleles.
Comment: p.Ala17Thr in exon 1 of EDN3: This variant is not expected to have clinical sign ificance because it has been identified in 2.4% (185/7748) of East Asian chromos omes including 4 homozygotes by the Exome Aggregation Consortium (ExAC; dbSNP rs11570255).

Soonchunhyang University Bucheon Hospital, Soonchunhyang University Medical Center
Classification: Uncertain significance for Hirschsprung disease, susceptibility to, 4. Last evaluated: 2016-03-18. Review status: criteria provided, single submitter. Criteria: ACMG Guidelines, 2015. Collection method: reference population. Allele origin: germline. Observed: 2 variant alleles.

Broad Center for Mendelian Genomics, Broad Institute of MIT and Harvard
Classification: Likely benign for Hirschsprung disease, susceptibility to, 4. Review status: criteria provided, single submitter. Criteria: ACMG Guidelines, 2015. Collection method: research. Allele origin: germline. Inheritance: Autosomal dominant inheritance. Affected: yes.
Comment: The heterozygous p.Ala17Thr variant in EDN3 has been identified in an individual with Hirschsprung disease (PMID: 9587491), and has been identified in >2% of East Asian chromosomes and 4 homozygotes by ExAC. In summary, although additional studies are required to fully establish its clinical significance, this variant meets criteria to be classified as likely benign for Hirschsprung disease.

OMIM
Classification: risk factor for HIRSCHSPRUNG DISEASE, SUSCEPTIBILITY TO, 4. Last evaluated: 1997-07-01. Review status: no assertion criteria provided. Collection method: literature only. Allele origin: germline. Not counted in ClinVar's aggregate classification.

Literature cited by the submitters: PubMed 14633923 (cited by Athena Diagnostics); PubMed 9359047 (cited by Athena Diagnostics and OMIM); PubMed 9587491 (cited by Soonchunhyang University Bucheon Hospital, Soonchunhyang University Medical Center and Broad Center for Mendelian Genomics, Broad Institute of MIT and Harvard); PubMed 27535533 (cited by OMIM).